The following is an entry in ClinVar:

ClinVar aggregate classification (germline): Uncertain significance (1 of 4 stars; one submission).

Conditions:
Intellectual disability, autosomal recessive 53 (NEDHSCA). Also called: NEURODEVELOPMENTAL DISORDER WITH OR WITHOUT HYPOTONIA, SEIZURES, AND CEREBELLAR ATROPHY; GLYCOSYLPHOSPHATIDYLINOSITOL BIOSYNTHESIS DEFECT 13; Mental retardation, autosomal recessive 53. Identifiers: Orphanet 488635, MedGen C4310794, MONDO:0014832, OMIM 616917.

Allele frequency attached by ClinVar (database versions not stated): gnomAD exomes below 0.00001.
gnomAD v4.1: 2 of 1,613,668 alleles (0.00012%); highest among the groups gnomAD compares: Non-Finnish European, 0.00017%; no homozygotes.

Submission:

Labcorp Genetics (formerly Invitae), Labcorp
Classification: Uncertain significance for Intellectual disability, autosomal recessive 53. Last evaluated: 2024-10-30. Review status: criteria provided, single submitter. Criteria: Invitae Variant Classification Sherloc (09022015). Collection method: clinical testing. Allele origin: germline.
Comment: This sequence change replaces leucine, which is neutral and non-polar, with phenylalanine, which is neutral and non-polar, at codon 956 of the PIGG protein (p.Leu956Phe). This variant is present in population databases (no rsID available, gnomAD 0.0009%). This variant has not been reported in the literature in individuals affected with PIGG-related conditions. ClinVar contains an entry for this variant (Variation ID: 1057201). Invitae Evidence Modeling of protein sequence and biophysical properties (such as structural, functional, and spatial information, amino acid conservation, physicochemical variation, residue mobility, and thermodynamic stability) indicates that this missense variant is expected to disrupt PIGG protein function with a positive predictive value of 80%. In summary, the available evidence is currently insufficient to determine the role of this variant in disease. Therefore, it has been classified as a Variant of Uncertain Significance.

NM_001127178.3(PIGG):c.2866C>T (p.Leu956Phe)

Gene: PIGG (phosphatidylinositol glycan anchor biosynthesis class G (EMM blood group); plus strand). Cytogenetic location: 4p16.3.
Variant type: single nucleotide variant.
Coding change: c.2866C>T on transcript NM_001127178.3 (MANE Select); coding-DNA position 2866, C replaced by T.
Protein change: p.Leu956Phe; replaces leucine 956 with phenylalanine.
Molecular consequence: missense variant. On other transcripts: non-coding transcript variant (10).
Genome position (GRCh38, 1-based): chr4:539,283, C>T. VCF-style: chr4-539283-C-T. GRCh37 (hg19) VCF-style: chr4-533072-C-T.
Other names: c.2599C>T, p.Leu867Phe (NM_001289051.2, NM_001345986.2); c.2467C>T, p.Leu823Phe (NM_001289052.2); c.2575C>T, p.Leu859Phe (NM_001345987.2); c.1837C>T, p.Leu613Phe (NM_001345988.2); c.1333C>T, p.Leu445Phe (NM_001345990.2, NM_001345991.2); c.1768C>T, p.Leu590Phe (NM_001345994.2); c.2842C>T, p.Leu948Phe (NM_017733.5); short protein forms L445F, L590F, L613F, L823F, L859F, L867F, L948F, L956F.
Identifiers: ClinVar variation 1057201 (VCV001057201.9), dbSNP rs1245132642, ClinGen allele CA355914616.